The following is an entry in ClinVar:

NM_031935.3(HMCN1):c.1049C>T (p.Thr350Ile)

Gene: HMCN1 (hemicentin 1; plus strand). Cytogenetic location: 1q31.1.
Variant type: single nucleotide variant.
Coding change: c.1049C>T on transcript NM_031935.3 (MANE Select); coding-DNA position 1049, C replaced by T.
Protein change: p.Thr350Ile; replaces threonine 350 with isoleucine.
Molecular consequence: missense variant.
Genome position (GRCh38, 1-based): chr1:185,923,417, C>T. VCF-style: chr1-185923417-C-T. GRCh37 (hg19) VCF-style: chr1-185892549-C-T.
Other names: short protein forms T350I.
Identifiers: ClinVar variation 4728069 (VCV004728069.1).

ClinVar aggregate classification (germline): Uncertain significance (1 of 4 stars; one submission).

gnomAD v4.1: 2 of 1,610,424 alleles (0.00012%); highest among the groups gnomAD compares: Non-Finnish European, 0.00017%; no homozygotes.

Submission:

Labcorp Genetics (formerly Invitae), Labcorp
Classification: Uncertain significance. Last evaluated: 2025-09-29. Review status: criteria provided, single submitter. Criteria: Invitae Variant Classification Sherloc (09022015). Collection method: clinical testing. Allele origin: germline.
Comment: This sequence change replaces threonine, which is neutral and polar, with isoleucine, which is neutral and non-polar, at codon 350 of the HMCN1 protein (p.Thr350Ile). This variant is not present in population databases (gnomAD no frequency). This variant has not been reported in the literature in individuals affected with HMCN1-related conditions. An algorithm developed to predict the effect of missense changes on protein structure and function (PolyPhen-2) suggests that this variant is likely to be disruptive. In summary, the available evidence is currently insufficient to determine the role of this variant in disease. Therefore, it has been classified as a Variant of Uncertain Significance.